The following is an entry in ClinVar:

NM_005506.4(SCARB2):c.1187+18C>T

Gene: SCARB2 (scavenger receptor class B member 2; minus strand). Cytogenetic location: 4q21.1.
Variant type: single nucleotide variant.
Coding change: c.1187+18C>T on transcript NM_005506.4 (MANE Select); 18 bases into the intron after coding-DNA position 1187, C replaced by T.
Molecular consequence: intron variant.
Genome position (GRCh38, 1-based): chr4:76,168,385, G>A on the plus strand (C>T on the coding strand, the complement: SCARB2 is on the minus strand). VCF-style: chr4-76168385-G-A. GRCh37 (hg19) VCF-style: chr4-77089538-G-A.
Other names: c.758+18C>T (NM_001204255.2).
Identifiers: ClinVar variation 516443 (VCV000516443.12), dbSNP rs202159028, ClinGen allele CA2970168.

ClinVar aggregate classification (germline): Likely benign. Review status: criteria provided, multiple submitters, no conflicts (2 of 4 stars). 5 submissions from 5 submitters: Likely benign (5). Last evaluated 2025-12-08.

Conditions:
Progressive myoclonic epilepsy. Also called: Myoclonic Epilepsies, Progressive; Progressive myoclonus epilepsy; Familial progressive myoclonic epilepsy; Myoclonus epilepsy. Identifiers: Orphanet 308, Orphanet 98261, MedGen C0751778, MONDO:0020074.
Action myoclonus-renal failure syndrome. Also called: SCARB2-Related Action Myoclonus-Renal Failure Syndrome; MYOCLONUS-NEPHROPATHY SYNDROME; EPILEPSY, PROGRESSIVE MYOCLONIC, 4, WITH RENAL FAILURE; EPILEPSY, PROGRESSIVE MYOCLONIC, 4, WITHOUT RENAL FAILURE. Identifiers: Orphanet 163696, MedGen C0751779, MeSH D020191, MONDO:0009699, OMIM 254900.

Allele frequency attached by ClinVar (database versions not stated): ESP Exome Variant Server 0.00008; TOPMed 0.00008; gnomAD 0.00009; ExAC 0.00015; gnomAD exomes 0.00016.
gnomAD v4.1: 198 of 1,607,712 alleles (0.012%); highest among the groups gnomAD compares: Middle Eastern, 0.049%; no homozygotes.

Submissions (5):

Labcorp Genetics (formerly Invitae), Labcorp
Classification: Likely benign for Progressive myoclonic epilepsy. Last evaluated: 2025-12-08. Review status: criteria provided, single submitter. Criteria: Invitae Variant Classification Sherloc (09022015). Collection method: clinical testing. Allele origin: germline.

Blueprint Genetics
Classification: Likely benign. Last evaluated: 2024-11-15. Review status: criteria provided, single submitter. Criteria: ACMG Guidelines, 2015. Collection method: clinical testing. Allele origin: germline.

Fulgent Genetics
Classification: Likely benign for Action myoclonus-renal failure syndrome. Last evaluated: 2021-09-14. Review status: criteria provided, single submitter. Criteria: ACMG Guidelines, 2015. Collection method: clinical testing. Allele origin: unknown.

GeneDx
Classification: Likely benign. Last evaluated: 2018-03-13. Review status: criteria provided, single submitter. Criteria: GeneDx Variant Classification (06012015). Collection method: clinical testing. Allele origin: germline. Affected: yes.
Comment: This variant is considered likely benign or benign based on one or more of the following criteria: it is a conservative change, it occurs at a poorly conserved position in the protein, it is predicted to be benign by multiple in silico algorithms, and/or has population frequency not consistent with disease.

Breakthrough Genomics
Classification: Likely benign. Review status: criteria provided, single submitter. Criteria: ACMG Guidelines, 2015. Collection method: not provided. Allele origin: germline. Inheritance: Autosomal recessive inheritance. Affected: yes.